The following is an entry in ClinVar:

NM_000726.5(CACNB4):c.1256G>C (p.Gly419Ala)

Gene: CACNB4 (calcium voltage-gated channel auxiliary subunit beta 4; minus strand). Cytogenetic location: 2q23.3.
Variant type: single nucleotide variant.
Coding change: c.1256G>C on transcript NM_000726.5 (MANE Select); coding-DNA position 1256, G replaced by C.
Protein change: p.Gly419Ala; replaces glycine 419 with alanine.
Molecular consequence: missense variant. On other transcripts: intron variant (1).
Genome position (GRCh38, 1-based): chr2:151,841,949, C>G on the plus strand (G>C on the coding strand, the complement: CACNB4 is on the minus strand). VCF-style: chr2-151841949-C-G. GRCh37 (hg19) VCF-style: chr2-152698463-C-G.
Other names: c.1202G>C, p.Gly401Ala (NM_001005746.4); c.1154G>C, p.Gly385Ala (NM_001005747.4); c.1115G>C, p.Gly372Ala (NM_001320722.3, NM_001330118.2); c.1013G>C, p.Gly338Ala (NM_001330113.2); c.602G>C, p.Gly201Ala (NM_001330114.2); c.965G>C, p.Gly322Ala (NM_001330115.2); c.926G>C, p.Gly309Ala (NM_001330116.2); c.698G>C, p.Gly233Ala (NM_001330117.2); and 1 more; short protein forms G201A, G233A, G309A, G322A, G338A, G372A, G385A, G401A.
Identifiers: ClinVar variation 4085483 (VCV004085483.8).

ClinVar aggregate classification (germline): Uncertain significance (1 of 4 stars; one submission).

Submission:

CeGaT Center for Human Genetics Tuebingen
Classification: Uncertain significance. Last evaluated: 2025-07-01. Review status: criteria provided, single submitter. Criteria: CeGaT Center For Human Genetics Tuebingen Variant Classification Criteria Version 2. Collection method: clinical testing. Allele origin: germline. Affected: yes. Observed: 1 variant allele.
Comment: CACNB4: PM2